The following is an entry in ClinVar:

NM_000173.7(GP1BA):c.390G>A (p.Ser130=)

Gene: GP1BA (glycoprotein Ib platelet subunit alpha; plus strand). Cytogenetic location: 17p13.2.
Variant type: single nucleotide variant.
Coding change: c.390G>A on transcript NM_000173.7 (MANE Select); coding-DNA position 390, G replaced by A.
Protein change: p.Ser130=; no amino-acid change (serine 130 retained).
Molecular consequence: synonymous variant.
Genome position (GRCh38, 1-based): chr17:4,932,994, G>A. VCF-style: chr17-4932994-G-A. GRCh37 (hg19) VCF-style: chr17-4836289-G-A.
Identifiers: ClinVar variation 2647277 (VCV002647277.25), dbSNP rs181416431, ClinGen allele CA8314763.

ClinVar aggregate classification (germline): Likely benign. Review status: criteria provided, multiple submitters, no conflicts (2 of 4 stars). 3 submissions from 3 submitters: Likely benign (3). Last evaluated 2025-05-20.

Allele frequency attached by ClinVar (database versions not stated): ESP Exome Variant Server 0.00008; gnomAD 0.00008; gnomAD exomes 0.00008; TOPMed 0.00008; ExAC 0.00010; 1000 Genomes Project 30x 0.00016; 1000 Genomes Project 0.00020.
gnomAD v4.1: 130 of 1,613,958 alleles (0.0081%); highest among the groups gnomAD compares: Middle Eastern, 0.2%; 1 homozygote.

Submissions (3):

Women's Health and Genetics/Laboratory Corporation of America, LabCorp
Classification: Likely benign. Last evaluated: 2025-05-20. Review status: criteria provided, single submitter. Criteria: LabCorp Variant Classification Summary - May 2015. Collection method: clinical testing. Allele origin: germline.

Blueprint Genetics
Classification: Likely benign. Last evaluated: 2024-11-21. Review status: criteria provided, single submitter. Criteria: ACMG Guidelines, 2015. Collection method: clinical testing. Allele origin: germline.

CeGaT Center for Human Genetics Tuebingen
Classification: Likely benign. Last evaluated: 2022-10-01. Review status: criteria provided, single submitter. Criteria: CeGaT Center For Human Genetics Tuebingen Variant Classification Criteria Version 2. Collection method: clinical testing. Allele origin: germline. Affected: yes. Observed: 1 variant allele.
Comment: GP1BA: BP4, BP7